The following is an entry in ClinVar:

ClinVar aggregate classification (germline): Uncertain significance (1 of 4 stars; one submission).

Conditions:
Inborn genetic diseases. Identifiers: MedGen C0950123, MeSH D030342.

gnomAD v4.1: 1 of 1,613,654 alleles (0.000062%); highest among the groups gnomAD compares: Non-Finnish European, 0.000085%; no homozygotes.

Submission:

Ambry Genetics
Classification: Uncertain significance for Inborn genetic diseases. Last evaluated: 2024-05-08. Review status: criteria provided, single submitter. Criteria: Ambry Variant Classification Scheme 2023. Collection method: clinical testing. Allele origin: germline.
Comment: The p.L1211I variant (also known as c.3631C>A), located in coding exon 27 of the LRRK2 gene, results from a C to A substitution at nucleotide position 3631. The leucine at codon 1211 is replaced by isoleucine, an amino acid with highly similar properties. This amino acid position is conserved. In addition, this alteration is predicted to be tolerated by in silico analysis. Based on the available evidence, the clinical significance of this variant remains unclear.

NM_198578.4(LRRK2):c.3631C>A (p.Leu1211Ile)

Gene: LRRK2 (leucine rich repeat kinase 2; plus strand). Cytogenetic location: 12q12.
Variant type: single nucleotide variant.
Coding change: c.3631C>A on transcript NM_198578.4 (MANE Select); coding-DNA position 3631, C replaced by A.
Protein change: p.Leu1211Ile; replaces leucine 1211 with isoleucine.
Molecular consequence: missense variant.
Genome position (GRCh38, 1-based): chr12:40,303,988, C>A. VCF-style: chr12-40303988-C-A. GRCh37 (hg19) VCF-style: chr12-40697790-C-A.
Other names: short protein forms L1211I.
Identifiers: ClinVar variation 3292000 (VCV003292000.1).